The following is an entry in ClinVar:

ClinVar aggregate classification (germline): Benign (0 of 4 stars; one submission).

Conditions:
POU3F3-related disorder. Also called: POU3F3-related condition.

Allele frequency attached by ClinVar (database versions not stated): gnomAD 0.01338; gnomAD exomes 0.00127; ExAC 0.00477; ESP Exome Variant Server 0.01191; 1000 Genomes Project 30x 0.01499; 1000 Genomes Project 0.01577.
gnomAD v4.1: 3,872 of 1,563,990 alleles (0.25%); highest among the groups gnomAD compares: African/African-American, 4.5%; 67 homozygotes.

Submission:

PreventionGenetics, part of Exact Sciences
Classification: Benign for POU3F3-related condition. Last evaluated: 2019-11-14. Review status: no assertion criteria provided. Collection method: clinical testing. Allele origin: germline.
Comment: This variant is classified as benign based on ACMG/AMP sequence variant interpretation guidelines (Richards et al. 2015 PMID: 25741868, with internal and published modifications).

NM_006236.3(POU3F3):c.*10G>A

Gene: POU3F3 (POU class 3 homeobox 3; plus strand). Cytogenetic location: 2q12.1.
Variant type: single nucleotide variant.
Coding change: c.*10G>A on transcript NM_006236.3 (MANE Select); 10 bases downstream of the stop codon, G replaced by A.
Molecular consequence: 3 prime UTR variant.
Genome position (GRCh38, 1-based): chr2:104,857,023, G>A. VCF-style: chr2-104857023-G-A. GRCh37 (hg19) VCF-style: chr2-105473481-G-A.
Identifiers: ClinVar variation 3037575 (VCV003037575.2), dbSNP rs200554113, ClinGen allele CA1813041.